The following is an entry in ClinVar:

ClinVar aggregate classification (germline): Uncertain significance (1 of 4 stars; one submission).

Allele frequency attached by ClinVar (database versions not stated): gnomAD 0.00001 and 0.00002; gnomAD exomes 0.00001.
gnomAD v4.1: 15 of 1,611,394 alleles (0.00093%); highest among the groups gnomAD compares: East Asian, 0.0045%; no homozygotes.

Submission:

Labcorp Genetics (formerly Invitae), Labcorp
Classification: Uncertain significance. Last evaluated: 2023-01-22. Review status: criteria provided, single submitter. Criteria: Invitae Variant Classification Sherloc (09022015). Collection method: clinical testing. Allele origin: germline.
Comment: This sequence change falls in intron 4 of the CSF1R gene. It does not directly change the encoded amino acid sequence of the CSF1R protein. It affects a nucleotide within the consensus splice site. This variant is present in population databases (no rsID available, gnomAD 0.005%). This variant has not been reported in the literature in individuals affected with CSF1R-related conditions. ClinVar contains an entry for this variant (Variation ID: 1497925). Variants that disrupt the consensus splice site are a relatively common cause of aberrant splicing (PMID: 17576681, 9536098). Algorithms developed to predict the effect of sequence changes on RNA splicing suggest that this variant is not likely to affect RNA splicing. In summary, the available evidence is currently insufficient to determine the role of this variant in disease. Therefore, it has been classified as a Variant of Uncertain Significance.

Literature cited by the submitters: PubMed 17576681; PubMed 9536098.

NM_001288705.3(CSF1R):c.592+4C>T

Gene: CSF1R (colony stimulating factor 1 receptor; minus strand). Cytogenetic location: 5q32.
Variant type: single nucleotide variant.
Coding change: c.592+4C>T on transcript NM_001288705.3 (MANE Select); 4 bases into the intron after coding-DNA position 592, C replaced by T.
Molecular consequence: intron variant.
Genome position (GRCh38, 1-based): chr5:150,080,048, G>A on the plus strand (C>T on the coding strand, the complement: CSF1R is on the minus strand). VCF-style: chr5-150080048-G-A. GRCh37 (hg19) VCF-style: chr5-149459611-G-A.
Other names: c.148+4C>T (NM_001375321.1); c.592+4C>T (NM_005211.4, NM_001375320.1, NM_001349736.2).
Identifiers: ClinVar variation 1497925 (VCV001497925.6), dbSNP rs1190762776, ClinGen allele CA563956119.